The following is an entry in ClinVar:

ClinVar aggregate classification (germline): Likely pathogenic (1 of 4 stars; one submission).

Conditions:
Familial adenomatous polyposis 1 (FAP1). Also called: POLYPOSIS, ADENOMATOUS INTESTINAL; FAMILIAL ADENOMATOUS POLYPOSIS 1, ATTENUATED. Identifiers: MedGen C2713442, MONDO:0021056, OMIM 175100. Disease mechanism: loss of function.

Submission:

Labcorp Genetics (formerly Invitae), Labcorp
Classification: Likely pathogenic for Familial adenomatous polyposis 1. Last evaluated: 2020-06-02. Review status: criteria provided, single submitter. Criteria: Invitae Variant Classification Sherloc (09022015). Collection method: clinical testing. Allele origin: unknown.
Comment: In summary, the currently available evidence indicates that the variant is pathogenic, but additional data are needed to prove that conclusively. Therefore, this variant has been classified as Likely Pathogenic. Loss-of-function variants in APC are known to be pathogenic (PMID: 17963004, 20685668). This variant has not been reported in the literature in individuals with APC-related conditions. This variant results in the deletion of exons 3-11 and part of exon 12 (c.136-2426_1460del) of the APC gene. It is expected to disrupt RNA splicing and likely results in an absent or disrupted protein product.

Literature cited by the submitters: PubMed 17963004; PubMed 20685668.

NC_000005.9:g.(?_112099597)_(112162856_?)del

Gene: APC (APC regulator of Wnt signaling pathway; plus strand). Cytogenetic location: 5q22.2.
Variant type: Deletion.
Identifiers: ClinVar variation 3246389 (VCV003246389.1).